The following is an entry in ClinVar:

NM_017721.5(CC2D1A):c.498C>T (p.Tyr166=)

Gene: CC2D1A (coiled-coil and C2 domain containing 1A; plus strand). Cytogenetic location: 19p13.12.
Variant type: single nucleotide variant.
Coding change: c.498C>T on transcript NM_017721.5 (MANE Select); coding-DNA position 498, C replaced by T.
Protein change: p.Tyr166=; no amino-acid change (tyrosine 166 retained).
Molecular consequence: synonymous variant.
Genome position (GRCh38, 1-based): chr19:13,913,287, C>T. VCF-style: chr19-13913287-C-T. GRCh37 (hg19) VCF-style: chr19-14024100-C-T.
Identifiers: ClinVar variation 1334554 (VCV001334554.9), dbSNP rs373022042, ClinGen allele CA9244303.

ClinVar aggregate classification (germline): Conflicting classifications of pathogenicity. Review status: criteria provided, conflicting classifications (1 of 4 stars). 3 submissions from 3 submitters: Uncertain significance (1); Likely benign (2). Last evaluated 2023-11-24.

Conditions:
Inborn genetic diseases. Identifiers: MedGen C0950123, MeSH D030342.

Allele frequency attached by ClinVar (database versions not stated): ExAC 0.00004; gnomAD exomes 0.00004; gnomAD 0.00006 and 0.00007; TOPMed 0.00006; ESP Exome Variant Server 0.00016.
gnomAD v4.1: 71 of 1,612,614 alleles (0.0044%); highest among the groups gnomAD compares: East Asian, 0.0067%; no homozygotes.

Submissions (3):

Labcorp Genetics (formerly Invitae), Labcorp
Classification: Likely benign. Last evaluated: 2023-11-24. Review status: criteria provided, single submitter. Criteria: Invitae Variant Classification Sherloc (09022015). Collection method: clinical testing. Allele origin: germline.

Greenwood Genetic Center Diagnostic Laboratories, Greenwood Genetic Center
Classification: Uncertain significance. Last evaluated: 2021-08-16. Review status: criteria provided, single submitter. Criteria: ACMG Guidelines, 2015. Collection method: clinical testing. Allele origin: germline. Affected: yes.
Comment: PM2

Ambry Genetics
Classification: Likely benign for Inborn genetic diseases. Last evaluated: 2019-10-22. Review status: criteria provided, single submitter. Criteria: Ambry Variant Classification Scheme 2023. Collection method: clinical testing. Allele origin: germline.